The following is an entry in ClinVar:

ClinVar aggregate classification (germline): Likely benign. Review status: criteria provided, single submitter (1 of 4 stars). 2 submissions from 2 submitters: Likely benign (1). 1 of the submissions does not count toward it. Last evaluated 2025-11-27.

Conditions:
KMT2D-related disorder. Also called: KMT2D-Related Disorders.
Kabuki syndrome. Also called: Kabuki make-up syndrome; NIIKAWA-KUROKI SYNDROME. Identifiers: Orphanet 2322, MedGen C0796004, MONDO:0016512.

Allele frequency attached by ClinVar (database versions not stated): ExAC 0.00001; gnomAD exomes 0.00001; gnomAD 0.00002; TOPMed 0.00002.

Submissions (2):

Labcorp Genetics (formerly Invitae), Labcorp
Classification: Likely benign for Kabuki syndrome. Last evaluated: 2025-11-27. Review status: criteria provided, single submitter. Criteria: Invitae Variant Classification Sherloc (09022015). Collection method: clinical testing. Allele origin: germline.

PreventionGenetics, part of Exact Sciences
Classification: Likely benign for KMT2D-related condition. Last evaluated: 2021-11-03. Review status: no assertion criteria provided. Collection method: clinical testing. Allele origin: germline. Not counted in ClinVar's aggregate classification.
Comment: This variant is classified as likely benign based on ACMG/AMP sequence variant interpretation guidelines (Richards et al. 2015 PMID: 25741868, with internal and published modifications).

NM_003482.4(KMT2D):c.12051A>C (p.Pro4017=)

Gene: KMT2D (lysine methyltransferase 2D; minus strand). Cytogenetic location: 12q13.12.
Variant type: single nucleotide variant.
Coding change: c.12051A>C on transcript NM_003482.4 (MANE Select); coding-DNA position 12051, A replaced by C.
Protein change: p.Pro4017=; no amino-acid change (proline 4017 retained).
Molecular consequence: synonymous variant.
Genome position (GRCh38, 1-based): chr12:49,032,654, T>G on the plus strand (A>C on the coding strand, the complement: KMT2D is on the minus strand). VCF-style: chr12-49032654-T-G. GRCh37 (hg19) VCF-style: chr12-49426437-T-G.
Other names: c.12051A>C (NM_003482.3).
Identifiers: ClinVar variation 1595802 (VCV001595802.10), dbSNP rs761197861, ClinGen allele CA6546257.